The following is an entry in ClinVar:

NM_005559.4(LAMA1):c.1846G>A (p.Gly616Arg)

Gene: LAMA1 (laminin subunit alpha 1; minus strand). Cytogenetic location: 18p11.31.
Variant type: single nucleotide variant.
Coding change: c.1846G>A on transcript NM_005559.4 (MANE Select); coding-DNA position 1846, G replaced by A.
Protein change: p.Gly616Arg; replaces glycine 616 with arginine.
Molecular consequence: missense variant.
Genome position (GRCh38, 1-based): chr18:7,034,684, C>T on the plus strand (G>A on the coding strand, the complement: LAMA1 is on the minus strand). VCF-style: chr18-7034684-C-T. GRCh37 (hg19) VCF-style: chr18-7034683-C-T.
Other names: short protein forms G616R.
Identifiers: ClinVar variation 1032330 (VCV001032330.7), dbSNP rs146460281, ClinGen allele CA8882835.
Genomic context (GRCh38, chr18:7,034,684, plus strand): 5'-TTAGGTACTCTTCATAAGGCTGCAATGACAGACCCTCAGCCTGTGTGCTTAAAGTGAGTC[C>T]GTTTCCCTAACATTTAAAAACAAGAGAAAATATATTTGTCATTCAATTTAATGATAAAAT-3'
Protein context (NP_005550.2, residues 606-626): SHADVIIKGN[Gly616Arg]LTLSTQAEGL

ClinVar aggregate classification (germline): Conflicting classifications of pathogenicity. Review status: criteria provided, conflicting classifications (1 of 4 stars). 3 submissions from 3 submitters: Uncertain significance (2); Likely benign (1). Last evaluated 2025-03-31.

Conditions:
Inborn genetic diseases. Identifiers: MedGen C0950123, MeSH D030342.
Ataxia - intellectual disability - oculomotor apraxia - cerebellar cysts syndrome. Also called: Poretti-Boltshauser syndrome. Identifiers: Orphanet 370022, MedGen C4014821, MONDO:0014419, OMIM 615960.

Allele frequency attached by ClinVar (database versions not stated): gnomAD exomes 0.00001; ExAC 0.00003; gnomAD 0.00003 and 0.00004; TOPMed 0.00005; ESP Exome Variant Server 0.00008.
gnomAD v4.1: 23 of 1,612,368 alleles (0.0014%); highest among the groups gnomAD compares: African/African-American, 0.015%; no homozygotes.

Submissions (3):

Ambry Genetics
Classification: Likely benign for Inborn genetic diseases. Last evaluated: 2025-03-31. Review status: criteria provided, single submitter. Criteria: Ambry Variant Classification Scheme 2023. Collection method: clinical testing. Allele origin: germline.

Labcorp Genetics (formerly Invitae), Labcorp
Classification: Uncertain significance. Last evaluated: 2021-12-02. Review status: criteria provided, single submitter. Criteria: Invitae Variant Classification Sherloc (09022015). Collection method: clinical testing. Allele origin: germline.
Comment: In summary, the available evidence is currently insufficient to determine the role of this variant in disease. Therefore, it has been classified as a Variant of Uncertain Significance. Algorithms developed to predict the effect of missense changes on protein structure and function output the following: SIFT: "Deleterious"; PolyPhen-2: "Possibly Damaging"; Align-GVGD: "Class C0". The arginine amino acid residue is found in multiple mammalian species, which suggests that this missense change does not adversely affect protein function. This sequence change replaces glycine, which is neutral and non-polar, with arginine, which is basic and polar, at codon 616 of the LAMA1 protein (p.Gly616Arg). This variant is present in population databases (rs146460281, gnomAD 0.02%). This variant has not been reported in the literature in individuals affected with LAMA1-related conditions. ClinVar contains an entry for this variant (Variation ID: 1032330).

Baylor Genetics
Classification: Uncertain significance for Ataxia - intellectual disability - oculomotor apraxia - cerebellar cysts syndrome. Last evaluated: 2018-07-19. Review status: criteria provided, single submitter. Criteria: ACMG Guidelines, 2015. Collection method: clinical testing. Allele origin: maternal. Affected: yes.
Comment: This variant was determined to be of uncertain significance according to ACMG Guidelines, 2015 [PMID:25741868].